The following is an entry in ClinVar:

NM_002471.4(MYH6):c.5400_5401insA (p.Glu1801fs)

Gene: MYH6 (myosin heavy chain 6; minus strand). Cytogenetic location: 14q11.2.
Variant type: Insertion.
Coding change: c.5400_5401insA on transcript NM_002471.4 (MANE Select); coding-DNA positions 5400 to 5401, A inserted.
Protein change: p.Glu1801fs; shifts the reading frame from glutamic acid 1801.
Molecular consequence: frameshift variant.
Genome position: GRCh38 VCF-style: chr14-23384606-C-CT. GRCh37 (hg19) VCF-style: chr14-23853815-C-CT.
Other names: short protein forms E1801fs.
Identifiers: ClinVar variation 4768702 (VCV004768702.1).

ClinVar aggregate classification (germline): Uncertain significance (1 of 4 stars; one submission).

Conditions:
Hypertrophic cardiomyopathy 14. Identifiers: MedGen C2750467, MONDO:0013197, OMIM 613251.

Submission:

Labcorp Genetics (formerly Invitae), Labcorp
Classification: Uncertain significance for Hypertrophic cardiomyopathy 14. Last evaluated: 2025-09-02. Review status: criteria provided, single submitter. Criteria: Invitae Variant Classification Sherloc (09022015). Collection method: clinical testing. Allele origin: germline.
Comment: This sequence change creates a premature translational stop signal (p.Glu1801Argfs*27) in the MYH6 gene. It is expected to result in an absent or disrupted protein product. However, the current clinical and genetic evidence is not sufficient to establish whether loss-of-function variants in MYH6 cause disease. This variant is present in population databases (no rsID available, gnomAD 0.0009%). This variant has not been reported in the literature in individuals affected with MYH6-related conditions. In summary, the available evidence is currently insufficient to determine the role of this variant in disease. Therefore, it has been classified as a Variant of Uncertain Significance.